The following is an entry in ClinVar:

ClinVar aggregate classification (germline): Uncertain significance. Review status: criteria provided, multiple submitters, no conflicts (2 of 4 stars). 3 submissions from 3 submitters: Uncertain significance (2). 1 of the submissions does not count toward it. Last evaluated 2023-01-10.

Conditions:
Inborn genetic diseases. Identifiers: MedGen C0950123, MeSH D030342.
Usher syndrome type 1C. Also called: USHER SYNDROME, TYPE I, ACADIAN VARIETY. Identifiers: Orphanet 231169, Orphanet 886, MedGen C1848604, MONDO:0010171, OMIM 276904.

Allele frequency attached by ClinVar (database versions not stated): gnomAD 0.00007; TOPMed 0.00008.

Submissions (3):

Ambry Genetics
Classification: Uncertain significance for Inborn genetic diseases. Last evaluated: 2023-01-10. Review status: criteria provided, single submitter. Criteria: Ambry Variant Classification Scheme 2023. Collection method: clinical testing. Allele origin: germline.

Labcorp Genetics (formerly Invitae), Labcorp
Classification: Uncertain significance. Last evaluated: 2022-07-19. Review status: criteria provided, single submitter. Criteria: Invitae Variant Classification Sherloc (09022015). Collection method: clinical testing. Allele origin: germline.
Comment: This sequence change replaces glycine, which is neutral and non-polar, with valine, which is neutral and non-polar, at codon 471 of the USH1C protein (p.Gly471Val). The frequency data for this variant in the population databases is considered unreliable, as metrics indicate poor data quality at this position in the gnomAD database. This variant has not been reported in the literature in individuals affected with USH1C-related conditions. ClinVar contains an entry for this variant (Variation ID: 1000734). Algorithms developed to predict the effect of missense changes on protein structure and function are either unavailable or do not agree on the potential impact of this missense change (SIFT: "Deleterious"; PolyPhen-2: "Probably Damaging"; Align-GVGD: "Class C0"). In summary, the available evidence is currently insufficient to determine the role of this variant in disease. Therefore, it has been classified as a Variant of Uncertain Significance.

Natera, Inc.
Classification: Uncertain significance for Usher syndrome type 1C. Last evaluated: 2020-06-04. Review status: no assertion criteria provided. Collection method: clinical testing. Allele origin: germline. Not counted in ClinVar's aggregate classification.

NM_153676.4(USH1C):c.2312G>T (p.Gly771Val)

Gene: USH1C (USH1 protein network component harmonin; minus strand). Cytogenetic location: 11p15.1.
Variant type: single nucleotide variant.
Coding change: c.2312G>T on transcript NM_153676.4 (MANE Select); coding-DNA position 2312, G replaced by T.
Protein change: p.Gly771Val; replaces glycine 771 with valine.
Molecular consequence: missense variant. On other transcripts: non-coding transcript variant (1).
Genome position (GRCh38, 1-based): chr11:17,501,119, C>A on the plus strand (G>T on the coding strand, the complement: USH1C is on the minus strand). VCF-style: chr11-17501119-C-A. GRCh37 (hg19) VCF-style: chr11-17522666-C-A.
Other names: c.1355G>T, p.Gly452Val (NM_001297764.2); c.1412G>T, p.Gly471Val (NM_005709.4); c.1412G>T (NM_005709.3); short protein forms G452V, G471V, G771V.
Identifiers: ClinVar variation 1000734 (VCV001000734.5), dbSNP rs763628668, ClinGen allele CA5904216.